The following is an entry in ClinVar:

NM_203446.3(SYNJ1):c.1465T>G (p.Leu489Val)

Gene: SYNJ1 (synaptojanin 1; minus strand). Cytogenetic location: 21q22.11.
Variant type: single nucleotide variant.
Coding change: c.1465T>G on transcript NM_203446.3 (MANE Select); coding-DNA position 1465, T replaced by G.
Protein change: p.Leu489Val; replaces leucine 489 with valine.
Molecular consequence: missense variant.
Genome position (GRCh38, 1-based): chr21:32,678,690, A>C on the plus strand (T>G on the coding strand, the complement: SYNJ1 is on the minus strand). VCF-style: chr21-32678690-A-C. GRCh37 (hg19) VCF-style: chr21-34051000-A-C.
Other names: c.1465T>G, p.Leu489Val (NM_001160302.2); c.1474T>G, p.Leu492Val (NM_001160306.2); c.1582T>G, p.Leu528Val (NM_003895.4); short protein forms L528V, L492V, L489V.
Identifiers: ClinVar variation 939253 (VCV000939253.10), dbSNP rs1261158817, ClinGen allele CA410089209.

ClinVar aggregate classification (germline): Uncertain significance (1 of 4 stars; one submission).

Conditions:
Early-onset Parkinson disease 20. Also called: PARKINSON DISEASE 20, AUTOSOMAL RECESSIVE EARLY-ONSET. Identifiers: Orphanet 391411, MedGen C3809824, MONDO:0014233, OMIM 615530.
Developmental and epileptic encephalopathy, 53. Also called: Epileptic encephalopathy, early infantile, 53. Identifiers: MedGen C4479313, MONDO:0033362, OMIM 617389.

Allele frequency attached by ClinVar (database versions not stated): gnomAD exomes below 0.00001.
gnomAD v4.1: 5 of 1,611,948 alleles (0.00031%); highest among the groups gnomAD compares: African/African-American, 0.0013%; no homozygotes.

Submission:

Labcorp Genetics (formerly Invitae), Labcorp
Classification: Uncertain significance for Developmental and epileptic encephalopathy, 53; Early-onset Parkinson disease 20. Last evaluated: 2019-06-17. Review status: criteria provided, single submitter. Criteria: Invitae Variant Classification Sherloc (09022015). Collection method: clinical testing. Allele origin: germline.
Comment: Algorithms developed to predict the effect of missense changes on protein structure and function are either unavailable or do not agree on the potential impact of this missense change (SIFT: "Deleterious"; PolyPhen-2: "Probably Damaging"; Align-GVGD: "Class C0"). This sequence change replaces leucine with valine at codon 528 of the SYNJ1 protein (p.Leu528Val). The leucine residue is highly conserved and there is a small physicochemical difference between leucine and valine. This variant is not present in population databases (ExAC no frequency). This variant has not been reported in the literature in individuals with SYNJ1-related conditions. Algorithms developed to predict the effect of sequence changes on RNA splicing suggest that this variant may create or strengthen a splice site, but this prediction has not been confirmed by published transcriptional studies. In summary, the available evidence is currently insufficient to determine the role of this variant in disease. Therefore, it has been classified as a Variant of Uncertain Significance.